The following is an entry in ClinVar:

ClinVar aggregate classification (germline): Uncertain significance. Review status: criteria provided, multiple submitters, no conflicts (2 of 4 stars). 2 submissions from 2 submitters: Uncertain significance (2). Last evaluated 2023-08-31.

Allele frequency attached by ClinVar (database versions not stated): gnomAD exomes 0.00001.
gnomAD v4.1: 5 of 1,612,022 alleles (0.00031%); highest among the groups gnomAD compares: South Asian, 0.0033%; no homozygotes.

Submissions (2):

Blueprint Genetics
Classification: Uncertain significance. Last evaluated: 2023-08-31. Review status: criteria provided, single submitter. Criteria: ACMG Guidelines, 2015. Collection method: clinical testing. Allele origin: germline.

Labcorp Genetics (formerly Invitae), Labcorp
Classification: Uncertain significance. Last evaluated: 2022-06-18. Review status: criteria provided, single submitter. Criteria: Invitae Variant Classification Sherloc (09022015). Collection method: clinical testing. Allele origin: germline.
Comment: This sequence change replaces tyrosine, which is neutral and polar, with histidine, which is basic and polar, at codon 255 of the TSFM protein (p.Tyr255His). This variant is present in population databases (no rsID available, gnomAD 0.003%). This variant has not been reported in the literature in individuals affected with TSFM-related conditions. Algorithms developed to predict the effect of missense changes on protein structure and function are either unavailable or do not agree on the potential impact of this missense change (SIFT: "Deleterious"; PolyPhen-2: "Probably Damaging"; Align-GVGD: "Class C0"). In summary, the available evidence is currently insufficient to determine the role of this variant in disease. Therefore, it has been classified as a Variant of Uncertain Significance.

NM_005726.6(TSFM):c.700T>C (p.Tyr234His)

Gene: TSFM (Ts translation elongation factor, mitochondrial; plus strand). Cytogenetic location: 12q14.1.
Variant type: single nucleotide variant.
Coding change: c.700T>C on transcript NM_005726.6 (MANE Select); coding-DNA position 700, T replaced by C.
Protein change: p.Tyr234His; replaces tyrosine 234 with histidine.
Molecular consequence: missense variant. On other transcripts: 3 prime UTR variant (1), intron variant (1).
Genome position (GRCh38, 1-based): chr12:57,796,305, T>C. VCF-style: chr12-57796305-T-C. GRCh37 (hg19) VCF-style: chr12-58190088-T-C.
Other names: c.*108T>C (NM_001172695.2); c.763T>C, p.Tyr255His (NM_001172696.2); c.571+3232T>C (NM_001172697.2); short protein forms Y255H, Y234H.
Identifiers: ClinVar variation 1972580 (VCV001972580.3), dbSNP rs1407175672, ClinGen allele CA385530594.